The following is an entry in ClinVar:

ClinVar aggregate classification (germline): Uncertain significance. Review status: criteria provided, single submitter (1 of 4 stars). 2 submissions from 2 submitters: Uncertain significance (1). 1 of the submissions does not count toward it.

Conditions:
DNAAF5-related disorder. Also called: DNAAF5-related condition.

Allele frequency attached by ClinVar (database versions not stated): gnomAD exomes 0.00001; TOPMed 0.00001; ExAC 0.00002.
gnomAD v4.1: 11 of 1,613,946 alleles (0.00068%); highest among the groups gnomAD compares: Middle Eastern, 0.017%; no homozygotes.

Submissions (2):

Breakthrough Genomics
Classification: Uncertain significance. Review status: criteria provided, single submitter. Criteria: ACMG Guidelines, 2015. Collection method: not provided. Allele origin: germline. Inheritance: Autosomal recessive inheritance. Affected: yes.

PreventionGenetics, part of Exact Sciences
Classification: Uncertain significance for DNAAF5-related condition. Last evaluated: 2023-11-06. Review status: no assertion criteria provided. Collection method: clinical testing. Allele origin: germline. Not counted in ClinVar's aggregate classification.
Comment: The DNAAF5 c.2107A>T variant is predicted to result in the amino acid substitution p.Met703Leu. To our knowledge, this variant has not been reported in the literature. This variant is reported in 0.014% of alleles in individuals of Latino descent in gnomAD. At this time, the clinical significance of this variant is uncertain due to the absence of conclusive functional and genetic evidence.

NM_017802.4(DNAAF5):c.2107A>T (p.Met703Leu)

Gene: DNAAF5 (dynein axonemal assembly factor 5; plus strand). Cytogenetic location: 7p22.3.
Variant type: single nucleotide variant.
Coding change: c.2107A>T on transcript NM_017802.4 (MANE Select); coding-DNA position 2107, A replaced by T.
Protein change: p.Met703Leu; replaces methionine 703 with leucine.
Molecular consequence: missense variant. On other transcripts: non-coding transcript variant (1).
Genome position (GRCh38, 1-based): chr7:775,030, A>T. VCF-style: chr7-775030-A-T. GRCh37 (hg19) VCF-style: chr7-814667-A-T.
Other names: short protein forms M703L.
Identifiers: ClinVar variation 3061506 (VCV003061506.3), dbSNP rs770385851, ClinGen allele CA4111093.